The following is an entry in ClinVar:

ClinVar aggregate classification (germline): Likely benign. Review status: criteria provided, multiple submitters, no conflicts (2 of 4 stars). 4 submissions from 4 submitters: Likely benign (4). Last evaluated 2025-06-06.

Conditions:
Tuberous sclerosis syndrome (TSC). Also called: Tuberous Sclerosis Complex; Tuberous sclerosis. Identifiers: Orphanet 805, MedGen C0041341, MONDO:0001734.
Tuberous sclerosis 2 (TSC2). Identifiers: Orphanet 805, MedGen C1860707, MONDO:0013199, OMIM 613254.

Allele frequency attached by ClinVar (database versions not stated): gnomAD exomes below 0.00001.
gnomAD v4.1: 3 of 1,612,798 alleles (0.00019%); highest among the groups gnomAD compares: Non-Finnish European, 0.00025%; no homozygotes.

Submissions (4):

Myriad Genetics, Inc.
Classification: Likely benign for Tuberous sclerosis 2. Last evaluated: 2025-06-06. Review status: criteria provided, single submitter. Criteria: Myriad Autosomal Dominant, Autosomal Recessive and X-Linked Classification Criteria (2023). Collection method: clinical testing. Allele origin: unknown.
Comment: This variant is considered likely benign. This variant is intronic and is not expected to impact mRNA splicing.

Labcorp Genetics (formerly Invitae), Labcorp
Classification: Likely benign for Tuberous sclerosis 2. Last evaluated: 2025-05-07. Review status: criteria provided, single submitter. Criteria: Invitae Variant Classification Sherloc (09022015). Collection method: clinical testing. Allele origin: germline.

All of Us Research Program, National Institutes of Health
Classification: Likely benign for Tuberous sclerosis syndrome. Last evaluated: 2024-06-09. Review status: criteria provided, single submitter. Criteria: ACMG Guidelines, 2015. Collection method: clinical testing. Allele origin: germline. Inheritance: Autosomal dominant inheritance. Observed: 1 variant allele, 1 heterozygote.
Comment: This study involves interpretation of variants in research participants for the purpose of population health screening. Participant phenotype was not available at the time of variant classification. Additional details can be found in publication PMID: 35346344, PMCID: PMC8962531

Color Diagnostics, LLC DBA Color Health
Classification: Likely benign for Tuberous sclerosis syndrome. Last evaluated: 2024-04-17. Review status: criteria provided, single submitter. Criteria: ACMG Guidelines, 2015. Collection method: clinical testing. Allele origin: germline.

NM_000548.5(TSC2):c.5260-10C>T

Gene: TSC2 (TSC complex subunit 2; plus strand). Cytogenetic location: 16p13.3.
Variant type: single nucleotide variant.
Coding change: c.5260-10C>T on transcript NM_000548.5 (MANE Select); 10 bases into the intron before coding-DNA position 5260, C replaced by T.
Molecular consequence: intron variant.
Genome position (GRCh38, 1-based): chr16:2,088,436, C>T. VCF-style: chr16-2088436-C-T. GRCh37 (hg19) VCF-style: chr16-2138437-C-T.
Other names: c.5191-10C>T (NM_001114382.3); c.5131-10C>T (NM_021055.3); c.5119-10C>T (NM_001370405.1); c.5062-10C>T (NM_001363528.2); c.5128-10C>T (NM_001370404.1); c.5059-10C>T (NM_001077183.3); c.4951-10C>T (NM_001318827.2); c.4528-10C>T (NM_001318831.2); and 2 more.
Identifiers: ClinVar variation 1132430 (VCV001132430.12), dbSNP rs2091183190, ClinGen allele CA2202033172.